The following is an entry in ClinVar:

NM_003718.5(CDK13):c.665_666delinsGGCGGGATGGGCAT (p.Gln222delinsArgArgAspGlyHis)

Gene: CDK13 (cyclin dependent kinase 13; plus strand). Cytogenetic location: 7p14.1.
Variant type: Indel.
Coding change: c.665_666delinsGGCGGGATGGGCAT on transcript NM_003718.5 (MANE Select); coding-DNA positions 665 to 666, AG replaced by GGCGGGATGGGCAT.
Protein change: p.Gln222delinsArgArgAspGlyHis.
Molecular consequence: inframe indel.
Genome position (GRCh38, 1-based): chr7:39,951,306-39,951,307, AG replaced by GGCGGGATGGGCAT. VCF-style: chr7-39951306-AG-GGCGGGATGGGCAT. GRCh37 (hg19) VCF-style: chr7-39990905-AG-GGCGGGATGGGCAT.
Other names: c.665_666delAGinsGGCGGGATGGGCAT, p.Gln222delinsArgArgAspGlyHis (NM_031267.4).
Identifiers: ClinVar variation 2578216 (VCV002578216.1), dbSNP rs2483673332, ClinGen allele CA2580617623.

ClinVar aggregate classification (germline): Uncertain significance (1 of 4 stars; one submission).

Submission:

GeneDx
Classification: Uncertain significance. Last evaluated: 2023-02-28. Review status: criteria provided, single submitter. Criteria: GeneDx Variant Classification Process June 2021. Collection method: clinical testing. Allele origin: germline. Affected: yes.
Comment: Not observed at significant frequency in large population cohorts (gnomAD); In-frame deletion of 1 amino acid and insertion of 5 amino acids in a non-repeat region; In silico analysis supports that this variant does not alter protein structure/function; Has not been previously published as pathogenic or benign to our knowledge